The following is an entry in ClinVar:

NM_001130144.3(LTBP3):c.2252G>T (p.Gly751Val)

Genes: LTBP3 (latent transforming growth factor beta binding protein 3; minus strand), LOC130006029 (ATAC-STARR-seq lymphoblastoid silent region 3532; plus strand). Cytogenetic location: 11q13.1.
Variant type: single nucleotide variant.
Coding change: c.2252G>T on transcript NM_001130144.3 (MANE Select); coding-DNA position 2252, G replaced by T.
Protein change: p.Gly751Val; replaces glycine 751 with valine.
Molecular consequence: missense variant.
Genome position (GRCh38, 1-based): chr11:65,546,543, C>A on the plus strand (G>T on the coding strand, the complement: LTBP3 is on the minus strand). VCF-style: chr11-65546543-C-A. GRCh37 (hg19) VCF-style: chr11-65314014-C-A.
Other names: c.1901G>T, p.Gly634Val (NM_001164266.1); c.2252G>T, p.Gly751Val (NM_021070.4); short protein forms G634V, G751V.
Identifiers: ClinVar variation 3292242 (VCV003292242.1).

ClinVar aggregate classification (germline): Uncertain significance (1 of 4 stars; one submission).

Conditions:
Inborn genetic diseases. Identifiers: MedGen C0950123, MeSH D030342.

gnomAD v4.1: 1 of 1,602,196 alleles (0.000062%); highest among the groups gnomAD compares: African/African-American, 0.0013%; no homozygotes.

Submission:

Ambry Genetics
Classification: Uncertain significance for Inborn genetic diseases. Last evaluated: 2024-03-31. Review status: criteria provided, single submitter. Criteria: Ambry Variant Classification Scheme 2023. Collection method: clinical testing. Allele origin: germline.
Comment: The p.G751V variant (also known as c.2252G>T), located in coding exon 16 of the LTBP3 gene, results from a G to T substitution at nucleotide position 2252. The glycine at codon 751 is replaced by valine, an amino acid with dissimilar properties. This amino acid position is conserved. In addition, the in silico prediction for this alteration is inconclusive. Based on the available evidence, the clinical significance of this alteration remains unclear.